The following is an entry in ClinVar:

GRCh38/hg38 16p13.11(chr16:14799119-16234030)x3

Genes: ABCC1 (ATP binding cassette subfamily C member 1 (ABCC1 blood group); plus strand), ABCC6 (ATP binding cassette subfamily C member 6; minus strand), BMERB1 (bMERB domain containing 1; plus strand), CEP20 (centrosomal protein 20; minus strand), MARF1 (meiosis regulator and mRNA stability factor 1; minus strand) and 41 more. Cytogenetic location: 16p13.11.
Variant type: copy number gain.
Change: copy number 3 (three copies instead of two) of chr16:14,799,119-16,234,030 (1.43 Mb, GRCh38 coordinates, 1-based), cytogenetic band 16p13.11.
Identifiers: ClinVar variation 4796066 (VCV004796066.1).

ClinVar aggregate classification (germline): Uncertain significance (1 of 4 stars; one submission).

Submission:

Medical Genetic Center, Changzhi Maternal and Child Health Care Hospital
Classification: Uncertain significance. Last evaluated: 2025-12-10. Review status: criteria provided, single submitter. Criteria: ACMG/ClinGen CNV Guidelines, 2019. Collection method: clinical testing. Allele origin: unknown.
Comment: 16p13.11 recurrent region (BP2-BP3) (includes MYH11) (TS=2)